The following is an entry in ClinVar:

ClinVar aggregate classification (germline): Uncertain significance (1 of 4 stars; one submission).

Conditions:
MHC class II deficiency. Also called: Bare lymphocyte syndrome 2; BLS, TYPE II. Identifiers: Orphanet 572, MedGen C5447452, MONDO:0008855.

Allele frequency attached by ClinVar (database versions not stated): ExAC 0.00001; gnomAD exomes 0.00001 and 0.00002; TOPMed 0.00001.
gnomAD v4.1: 4 of 1,613,878 alleles (0.00025%); highest among the groups gnomAD compares: Admixed American, 0.0033%; no homozygotes.

Submission:

Labcorp Genetics (formerly Invitae), Labcorp
Classification: Uncertain significance for MHC class II deficiency. Last evaluated: 2021-09-01. Review status: criteria provided, single submitter. Criteria: Invitae Variant Classification Sherloc (09022015). Collection method: clinical testing. Allele origin: germline.
Comment: This sequence change replaces glutamine with arginine at codon 96 of the RFXANK protein (p.Gln96Arg). The glutamine residue is highly conserved and there is a small physicochemical difference between glutamine and arginine. This variant is present in population databases (rs775653093, ExAC 0.002%). This variant has not been reported in the literature in individuals affected with RFXANK-related conditions. Algorithms developed to predict the effect of missense changes on protein structure and function are either unavailable or do not agree on the potential impact of this missense change (SIFT: "Deleterious"; PolyPhen-2: "Probably Damaging"; Align-GVGD: "Class C0"). In summary, the available evidence is currently insufficient to determine the role of this variant in disease. Therefore, it has been classified as a Variant of Uncertain Significance.

NM_003721.4(RFXANK):c.287A>G (p.Gln96Arg)

Gene: RFXANK (regulatory factor X associated ankyrin containing protein; plus strand). Cytogenetic location: 19p13.11.
Variant type: single nucleotide variant.
Coding change: c.287A>G on transcript NM_003721.4 (MANE Select); coding-DNA position 287, A replaced by G.
Protein change: p.Gln96Arg; replaces glutamine 96 with arginine.
Molecular consequence: missense variant. On other transcripts: intron variant (4).
Genome position (GRCh38, 1-based): chr19:19,197,201, A>G. VCF-style: chr19-19197201-A-G. GRCh37 (hg19) VCF-style: chr19-19308010-A-G.
Other names: c.287A>G, p.Gln96Arg (NM_001370233.1, NM_001370238.1); c.284A>G, p.Gln95Arg (NM_001370235.1, NM_001370236.1, NM_001370237.1); c.271+155A>G (NM_001278727.2, NM_001370234.1); c.268+155A>G (NM_134440.3, NM_001278728.2); short protein forms Q95R, Q96R.
Identifiers: ClinVar variation 946211 (VCV000946211.7), dbSNP rs775653093, ClinGen allele CA9322672.